The following is an entry in ClinVar:

NM_001267550.2(TTN):c.88053T>C (p.Ser29351=)

Genes: TTN (titin; minus strand), TTN-AS1 (TTN antisense RNA 1; plus strand). Cytogenetic location: 2q31.2.
Variant type: single nucleotide variant.
Coding change: c.88053T>C on transcript NM_001267550.2 (MANE Select); coding-DNA position 88053, T replaced by C.
Protein change: p.Ser29351=; no amino-acid change (serine 29351 retained).
Molecular consequence: synonymous variant.
Genome position (GRCh38, 1-based): chr2:178,557,101, A>G on the plus strand (T>C on the coding strand, the complement: TTN is on the minus strand). VCF-style: chr2-178557101-A-G. GRCh37 (hg19) VCF-style: chr2-179421828-A-G.
Other names: c.83130T>C, p.Ser27710= (NM_001256850.1); c.60858T>C, p.Ser20286= (NM_003319.4); c.80349T>C, p.Ser26783= (NM_133378.4); c.61233T>C, p.Ser20411= (NM_133432.3); c.61434T>C, p.Ser20478= (NM_133437.4).
Identifiers: ClinVar variation 3239515 (VCV003239515.19), dbSNP rs2469510864.

ClinVar aggregate classification (germline): Likely benign (1 of 4 stars; one submission).

Allele frequency attached by ClinVar (database versions not stated): gnomAD exomes below 0.00001.
gnomAD v4.1: 2 of 1,613,732 alleles (0.00012%); highest among the groups gnomAD compares: Non-Finnish European, 0.00017%; no homozygotes.

Submission:

CeGaT Center for Human Genetics Tuebingen
Classification: Likely benign. Last evaluated: 2024-05-01. Review status: criteria provided, single submitter. Criteria: CeGaT Center For Human Genetics Tuebingen Variant Classification Criteria Version 2. Collection method: clinical testing. Allele origin: germline. Affected: yes. Observed: 1 variant allele.
Comment: TTN: PM2:Supporting, BP4, BP7